The following is an entry in ClinVar:

NM_001034853.2(RPGR):c.2997_2998del (p.Glu1000fs)

Gene: RPGR (retinitis pigmentosa GTPase regulator; minus strand). Cytogenetic location: Xp11.4.
Variant type: Deletion.
Coding change: c.2997_2998del on transcript NM_001034853.2 (MANE Select); coding-DNA positions 2997 to 2998, 2 bases deleted (GG; older notation c.2997_2998delGG).
Protein change: p.Glu1000fs; shifts the reading frame from glutamic acid 1000.
Molecular consequence: frameshift variant. On other transcripts: intron variant (8).
Genome position (GRCh38, 1-based): chrX:38,286,001-38,286,002, CC deleted on the plus strand (GG on the coding strand, the reverse complement: RPGR is on the minus strand); deleting any 2 consecutive bases within chrX:38,286,001-38,286,004 gives the same sequence; the c. name uses the placement nearest the transcript's 3' end. VCF-style (leftmost placement, unchanged base first): chrX-38286000-TCC-T. GRCh37 (hg19) VCF-style: chrX-38145253-TCC-T.
Other names: NM_001034853.2(RPGR):c.2997_2998del; p.Glu1000fs; c.2997_2998delGG (NM_001034853.1); c.1569+4957_1569+4958del (NM_001367249.1, NM_001367250.1); c.1902+1092_1902+1093del (NM_001367245.1); c.1386+4957_1386+4958del (NM_001367251.1); c.1719+1092_1719+1093del (NM_001367246.1); c.1572+4957_1572+4958del (NM_001367247.1); and 2 more; short protein forms E1000fs.
Identifiers: ClinVar variation 1802373 (VCV001802373.12), dbSNP rs2519783585, ClinGen allele CA2580100820.
Genomic context (GRCh38, chrX:38,286,000, plus strand): 5'-TCCCCTTCCTCTTCTTCCTCCCCTTCTCCCTCCCCTTCTTCCTCTCCCTCTCCTTCTTCC[TCC>T]CCTTCTTCTTCCCCTTCCTCCTCTTCCCCCTCCCCTTCTCCTTCCTCCTCTTCCCCCTCC-3'

ClinVar aggregate classification (germline): Pathogenic. Review status: reviewed by expert panel (3 of 4 stars). 6 submissions from 6 submitters: Pathogenic (1). 5 of the submissions do not count toward it. Last evaluated 2025-09-06.

Conditions:
RPGR-related disorder. Also called: RPGR-related condition.
RPGR-related retinopathy. Also called: RPGR retinopathy. Identifiers: MedGen CN305589, MONDO:0100437.
Retinal dystrophy. Also called: Inherited retinal dystrophy. Identifiers: Orphanet 71862, MedGen C0854723, MeSH D058499, MONDO:0019118, HP:0000556.
Retinitis pigmentosa 3. Also called: CHOROIDORETINAL DEGENERATION WITH RETINAL REFLEX IN HETEROZYGOUS WOMEN. Identifiers: Orphanet 791, MedGen C1845667, MONDO:0010227, OMIM 300029.
Primary ciliary dyskinesia. Also called: Ciliary dyskinesia. Identifiers: Orphanet 244, MedGen C0008780, MONDO:0016575, HP:0012265.

Submissions (6):

ClinGen X-linked Inherited Retinal Disease Variant Curation Expert Panel, ClinGen
Classification: Pathogenic for RPGR-related retinopathy. Last evaluated: 2025-09-06. Review status: reviewed by expert panel. Criteria: ClinGen X LinkedIRD ACMG Specifications RPGR V1.0.0. Collection method: curation. Allele origin: germline. Inheritance: X-linked inheritance.
Comment: NM_001034853.2(RPGR):c.2997_2998del (p.Glu1000GlyfsTer?) is a frameshift variant due to a two nucleotide deletion and is predicted to cause a premature stop codon after 78 amino acids within exon 15 of 15 and to disrupt a critical C-terminal region required for proper glutamylation of RPGR (PVS1, PMID: 36445968). This variant is absent from gnomAD v4.1.0 (PM2_Supporting). At least one proband harboring this variant exhibits a phenotype including a family history consistent with X-linked inheritance (2 pts) with females showing a milder phenotype (1 pt), electroretinogram responses indicating rod involvement greater than cone involvement (1 pts), onset in the first decade of life (1 pt), reduced visual acuity (0.5 pts), and night blindness (0.5 pts), with genetic testing by next generation sequencing method failing to identify an alternative cause of disease (2 pts), which together are highly specific for RPGR-related retinopathy (8 points, PMID: 30917587, PP4_Moderate). The variant has been reported in at least 1 proband with affected family members (PMID: 30917587), however, the PP1 code was not met as no other affected family member had been genetically tested. In summary, this variant is classified as pathogenic for RPGR-related retinopathy based on the ClinGen X-linked Inherited Retinal Disease Expert Panel Specifications to the ACMG/AMP Variant Interpretation Guidelines for RPGR Version 1.0.0; PVS1, PM2_Supporting, and PP4_Moderate.

PreventionGenetics, part of Exact Sciences
Classification: Pathogenic for RPGR-related condition. Last evaluated: 2026-05-21. Review status: criteria provided, single submitter. Criteria: ACMG Guidelines, 2015. Collection method: clinical testing. Allele origin: germline. Not counted in ClinVar's aggregate classification.
Comment: The RPGR c.2997_2998delGG variant is predicted to result in a frameshift and premature protein termination (p.Glu1000Glyfs*78). This variant has been reported in individuals with retinitis pigmentosa (reported as 1243-4del, Breuer et al. 2002. PubMed ID: 11992260; Bellingrath et al. 2017. PubMed ID: 28863407; Kurata et al. 2019. PubMed ID: 30917587). This variant is absent in a large population database (gnomAD), indicating this variant is rare. Frameshift variants in RPGR are an established mechanism of disease. This variant is interpreted as pathogenic.

Labcorp Genetics (formerly Invitae), Labcorp
Classification: Pathogenic for Primary ciliary dyskinesia. Last evaluated: 2025-11-21. Review status: criteria provided, single submitter. Criteria: Invitae Variant Classification Sherloc (09022015). Collection method: clinical testing. Allele origin: germline. Not counted in ClinVar's aggregate classification.
Comment: This sequence change creates a premature translational stop signal (p.Glu1000Glyfs*78) in the RPGR (ORF15) gene. While this is not anticipated to result in nonsense mediated decay, it is expected to disrupt the last 153 amino acid(s) of the RPGR (ORF15) protein. This variant is not present in population databases (gnomAD no frequency). This premature translational stop signal has been observed in individuals with 11992260 (PMID: 11992260, 30917587). This variant is also known as Glu417fsTer495. ClinVar contains an entry for this variant (Variation ID: 1802373). This variant disrupts a region of the RPGR (ORF15) protein in which other variant(s) (p.Leu1130Lysfs*13) have been determined to be pathogenic (PMID: 22264887; internal data). This suggests that this is a clinically significant region of the protein, and that variants that disrupt it are likely to be disease-causing. For these reasons, this variant has been classified as Pathogenic.

3billion
Classification: Likely pathogenic for Retinitis pigmentosa 3. Last evaluated: 2024-03-08. Review status: criteria provided, single submitter. Criteria: ACMG Guidelines, 2015. Collection method: clinical testing. Allele origin: germline. Affected: yes. Not counted in ClinVar's aggregate classification.
Comment: The variant is not observed in the gnomAD v2.1.1 dataset. Predicted Consequence/Location: Frameshift: predicted to result in a loss or disruption of normal protein function through protein truncation. The predicted truncated protein may be shortened by more than 10%. The variant has been reported at least twice as pathogenic without evidence for the classification (ClinVar ID: VCV001802373). Therefore, this variant is classified as Likely pathogenic according to the recommendation of ACMG/AMP guideline.

Blueprint Genetics
Classification: Pathogenic for RPGR-related disorders. Last evaluated: 2023-09-12. Review status: criteria provided, single submitter. Criteria: ACMG Guidelines, 2015. Collection method: clinical testing. Allele origin: germline. Affected: yes. Observed: 5 variant alleles. Not counted in ClinVar's aggregate classification.

Institute of Human Genetics, Univ. Regensburg, Univ. Regensburg
Classification: Pathogenic for Retinal dystrophy. Last evaluated: 2017-01-01. Review status: criteria provided, single submitter. Criteria: ACMG Guidelines, 2015. Collection method: clinical testing. Allele origin: germline. Affected: yes. Not counted in ClinVar's aggregate classification.

Literature cited by the submitters: PubMed 11992260 (cited by Labcorp Genetics (formerly Invitae), Labcorp and Institute of Human Genetics, Univ. Regensburg, Univ. Regensburg); PubMed 30917587 (cited by Labcorp Genetics (formerly Invitae), Labcorp and Institute of Human Genetics, Univ. Regensburg, Univ. Regensburg); PubMed 22264887 (cited by Labcorp Genetics (formerly Invitae), Labcorp); PubMed 28863407 (cited by Institute of Human Genetics, Univ. Regensburg, Univ. Regensburg).